The following is an entry in ClinVar:

ClinVar aggregate classification (germline): Uncertain significance. Review status: criteria provided, multiple submitters, no conflicts (2 of 4 stars). 2 submissions from 2 submitters: Uncertain significance (2). Last evaluated 2026-07-06.

Conditions:
Neurofibromatosis, type 1 (NF1). Also called: NEUROFIBROMATOSIS, TYPE I, SOMATIC; Neurofibromatosis, type I; VON RECKLINGHAUSEN DISEASE; Peripheral type neurofibromatosis. Identifiers: Orphanet 636, MedGen C0027831, MONDO:0018975, OMIM 162200. Disease mechanism: loss of function.
Hereditary cancer-predisposing syndrome. Also called: Tumor predisposition; Hereditary neoplastic syndrome; Neoplastic Syndromes, Hereditary; Hereditary Cancer Syndrome. Identifiers: Orphanet 140162, MedGen C0027672, MeSH D009386, MONDO:0015356.
Cardiovascular phenotype. Identifiers: MedGen CN230736.

Submissions (2):

Ambry Genetics
Classification: Uncertain significance for Cardiovascular phenotype; Hereditary cancer-predisposing syndrome. Last evaluated: 2026-07-06. Review status: criteria provided, single submitter. Criteria: Ambry Variant Classification Scheme 2023. Collection method: clinical testing. Allele origin: germline.
Comment: The p.I826T variant (also known as c.2477T>C), located in coding exon 21 of the NF1 gene, results from a T to C substitution at nucleotide position 2477. The isoleucine at codon 826 is replaced by threonine, an amino acid with similar properties. This amino acid position is highly conserved in available vertebrate species. In addition, this alteration is predicted to be tolerated by in silico analysis. Based on the available evidence, the clinical significance of this variant remains unclear.

Labcorp Genetics (formerly Invitae), Labcorp
Classification: Uncertain significance for Neurofibromatosis, type 1. Last evaluated: 2023-07-05. Review status: criteria provided, single submitter. Criteria: Invitae Variant Classification Sherloc (09022015). Collection method: clinical testing. Allele origin: germline.
Comment: This sequence change replaces isoleucine, which is neutral and non-polar, with threonine, which is neutral and polar, at codon 826 of the NF1 protein (p.Ile826Thr). In summary, the available evidence is currently insufficient to determine the role of this variant in disease. Therefore, it has been classified as a Variant of Uncertain Significance. Advanced modeling of protein sequence and biophysical properties (such as structural, functional, and spatial information, amino acid conservation, physicochemical variation, residue mobility, and thermodynamic stability) performed at Invitae indicates that this missense variant is not expected to disrupt NF1 protein function. ClinVar contains an entry for this variant (Variation ID: 1716090). This variant has not been reported in the literature in individuals affected with NF1-related conditions. This variant is not present in population databases (gnomAD no frequency).

NM_001042492.3(NF1):c.2477T>C (p.Ile826Thr)

Gene: NF1 (neurofibromin 1; plus strand). Cytogenetic location: 17q11.2.
Variant type: single nucleotide variant.
Coding change: c.2477T>C on transcript NM_001042492.3 (MANE Select); coding-DNA position 2477, T replaced by C.
Protein change: p.Ile826Thr; replaces isoleucine 826 with threonine.
Molecular consequence: missense variant.
Genome position (GRCh38, 1-based): chr17:31,229,092, T>C. VCF-style: chr17-31229092-T-C. GRCh37 (hg19) VCF-style: chr17-29556110-T-C.
Other names: c.2477T>C, p.Ile826Thr (NM_000267.4); short protein forms I826T.
Identifiers: ClinVar variation 1716090 (VCV001716090.6), dbSNP rs2151428940, ClinGen allele CA398984008.